The following is an entry in ClinVar:

ClinVar aggregate classification (germline): Benign (1 of 4 stars; one submission).

Allele frequency attached by ClinVar (database versions not stated): 1000 Genomes Project 0.30272; gnomAD 0.32933; TOPMed 0.34329; 1000 Genomes Project 30x 0.30949.
gnomAD v4.1: 50,398 of 152,016 alleles (33%); highest among the groups gnomAD compares: African/African-American, 48%; 9,107 homozygotes.

Submission:

GeneDx
Classification: Benign. Last evaluated: 2018-06-16. Review status: criteria provided, single submitter. Criteria: GeneDx Variant Classification (06012015). Collection method: clinical testing. Allele origin: germline. Affected: yes.
Comment: This variant is considered likely benign or benign based on one or more of the following criteria: it is a conservative change, it occurs at a poorly conserved position in the protein, it is predicted to be benign by multiple in silico algorithms, and/or has population frequency not consistent with disease.

NM_001853.4(COL9A3):c.310-270C>G

Gene: COL9A3 (collagen type IX alpha 3 chain; plus strand). Cytogenetic location: 20q13.33.
Variant type: single nucleotide variant.
Coding change: c.310-270C>G on transcript NM_001853.4 (MANE Select); 270 bases into the intron before coding-DNA position 310, C replaced by G.
Molecular consequence: intron variant.
Genome position (GRCh38, 1-based): chr20:62,820,911, C>G. VCF-style: chr20-62820911-C-G. GRCh37 (hg19) VCF-style: chr20-61452263-C-G.
Identifiers: ClinVar variation 683433 (VCV000683433.1), dbSNP rs3765460, ClinGen allele CA14765337.